The following is an entry in ClinVar:

ClinVar aggregate classification (germline): Uncertain significance (1 of 4 stars; one submission).

Conditions:
Congenital myopathy 4B, autosomal recessive. Also called: Nemaline myopathy 1, autosomal dominant or recessive. Identifiers: Orphanet 171433, Orphanet 171439, Orphanet 171881, MedGen C5829889, MONDO:0012239, OMIM 609284.

Submission:

MGZ Medical Genetics Center
Classification: Uncertain significance for Congenital myopathy 4B, autosomal recessive. Last evaluated: 2022-09-06. Review status: criteria provided, single submitter. Criteria: ACMG Guidelines, 2015. Collection method: clinical testing. Allele origin: germline. Affected: yes. Observed: 1 variant allele.
Comment: ACMG criteria applied: PM2_SUP, PM5_SUP, PP3

NM_152263.4(TPM3):c.8A>G (p.Glu3Gly)

Gene: TPM3 (tropomyosin 3; minus strand). Cytogenetic location: 1q21.3.
Variant type: single nucleotide variant.
Coding change: c.8A>G on transcript NM_152263.4 (MANE Select); coding-DNA position 8, A replaced by G.
Protein change: p.Glu3Gly; replaces glutamic acid 3 with glycine.
Molecular consequence: missense variant. On other transcripts: non-coding transcript variant (1).
Genome position (GRCh38, 1-based): chr1:154,192,011, T>C on the plus strand (A>G on the coding strand, the complement: TPM3 is on the minus strand). VCF-style: chr1-154192011-T-C. GRCh37 (hg19) VCF-style: chr1-154164487-T-C.
Other names: c.8A>G, p.Glu3Gly (NM_001364679.2, NM_001364680.2, NM_001364681.2 and 1 more transcripts); short protein forms E3G.
Identifiers: ClinVar variation 1709789 (VCV001709789.2), dbSNP rs2526061089, ClinGen allele CA342587596.